The following is an entry in ClinVar:

NM_000138.5(FBN1):c.700_702delinsTGT (p.Gly234Cys)

Gene: FBN1 (fibrillin 1; minus strand). Cytogenetic location: 15q21.1.
Variant type: Indel.
Coding change: c.700_702delinsTGT on transcript NM_000138.5 (MANE Select); coding-DNA positions 700 to 702, GGC replaced by TGT.
Protein change: p.Gly234Cys; replaces glycine 234 with cysteine.
Molecular consequence: missense variant.
Genome position (GRCh38, 1-based): chr15:48,537,645-48,537,647, GCC replaced by ACA on the plus strand (GGC replaced by TGT on the coding strand, the reverse complement: FBN1 is on the minus strand). VCF-style: chr15-48537645-GCC-ACA. GRCh37 (hg19) VCF-style: chr15-48829842-GCC-ACA.
Other names: p.G234C:GGC>TGT; c.700_702delGGCinsTGT (NM_000138.4); short protein forms G234C.
Identifiers: ClinVar variation 200145 (VCV000200145.3), dbSNP rs794728293, ClinGen allele CA016931.

ClinVar aggregate classification (germline): Likely pathogenic. Review status: criteria provided, multiple submitters, no conflicts (2 of 4 stars). 2 submissions from 2 submitters: Likely pathogenic (2). Last evaluated 2026-06-24.

Conditions:
Marfan Syndrome/Loeys-Dietz Syndrome/Familial Thoracic Aortic Aneurysms and Dissections. Identifiers: MedGen CN229799.

Submissions (2):

Women's Health and Genetics/Laboratory Corporation of America, LabCorp
Classification: Likely pathogenic for Marfan Syndrome/Loeys-Dietz Syndrome/Familial Thoracic Aortic Aneurysms and Dissections. Last evaluated: 2026-06-24. Review status: criteria provided, single submitter. Criteria: LabCorp Variant Classification Summary - May 2015. Collection method: clinical testing. Allele origin: germline.
Comment: Variant summary: FBN1 c.700_702delinsTGT (p.Gly234Cys) results in a non-conservative amino acid change in the encoded protein sequence. Algorithms developed to predict the effect of missense changes on protein structure and function are either unavailable or do not agree on the potential impact of this missense change. The variant was absent in 251282 control chromosomes. To our knowledge, no occurrence of c.700_702delinsTGT in individuals affected with FBN1-related conditions and no experimental evidence demonstrating its impact on protein function have been reported in the literature. However, a different variant resulting in the same amino acid change has been classified as likely pathogenic (c.700G>T, p.Gly234Cys) by our lab, supporting the critical relevance of codon 234 to FBN1 protein function. ClinVar contains an entry for this variant (Variation ID: 200145). Based on the evidence outlined above, the variant was classified as likely pathogenic.

GeneDx
Classification: Likely pathogenic. Last evaluated: 2014-01-19. Review status: criteria provided, single submitter. Criteria: GeneDx Variant Classification (06012015). Collection method: clinical testing. Allele origin: germline. Affected: yes.
Comment: The c.700_702delinsTGT variant in the FBN1 gene has not been reported as a pathogenic variant or as a benign polymorphism to our knowledge. This variant results in a substitution of a Glycine residue with a Cysteine residue at f protein from this allele through nonsense-mediated mRNA decay. In silico analysis predicts thamino acid 234, due to an in-frame deletion of 3 base pairs and an insertion of 3 base pairs. This variant is not expected to result in either an abnormal, truncated protein product or loss oe c.700_702deinsTGT variant is probably damaging to the protein structure/function. Missense variants in nearby residues (R240C, R240H) have been reported in association with Marfan syndrome, further supporting the functional importance of this region of the protein. Furthermore, the c.700_702delinsTGT variant was not observed in approximately 6,500 individuals of European and African American ancestry in the NHLBI Exome Sequencing Project, indicating it is not a common benign variant in these populations. In summary, while c.700_702delGGCinsTGT is a good candidate for a pathogenic variant, with the clinical and molecular information available at this time we cannot unequivocally determine the clinical significance of this variant.